The following is an entry in ClinVar:

NM_004715.5(CTDP1):c.535C>T (p.Arg179Ter)

Gene: CTDP1 (CTD phosphatase subunit 1; plus strand). Cytogenetic location: 18q23.
Variant type: single nucleotide variant.
Coding change: c.535C>T on transcript NM_004715.5 (MANE Select); coding-DNA position 535, C replaced by T.
Protein change: p.Arg179Ter; replaces arginine 179 with a stop codon.
Molecular consequence: nonsense.
Genome position (GRCh38, 1-based): chr18:79,697,902, C>T. VCF-style: chr18-79697902-C-T. GRCh37 (hg19) VCF-style: chr18-77457902-C-T.
Other names: c.178C>T, p.Arg60Ter (NM_001202504.1); c.535C>T, p.Arg179Ter (NM_001318511.2, NM_048368.4); short protein forms R179*, R60*.
Identifiers: ClinVar variation 3361459 (VCV003361459.1).

ClinVar aggregate classification (germline): Uncertain significance (1 of 4 stars; one submission).

Submission:

GeneDx
Classification: Uncertain significance. Last evaluated: 2023-07-24. Review status: criteria provided, single submitter. Criteria: GeneDx Variant Classification Process June 2021. Collection method: clinical testing. Allele origin: germline. Affected: yes.
Comment: Nonsense variant predicted to result in protein truncation or nonsense mediated decay in a gene or region of a gene for which loss of function is not a well-established mechanism of disease; Not observed at significant frequency in large population cohorts (gnomAD); Has not been previously published as pathogenic or benign to our knowledge